The following is an entry in ClinVar:

ClinVar aggregate classification (germline): Uncertain significance (1 of 4 stars; one submission).

Allele frequency attached by ClinVar (database versions not stated): TOPMed 0.00001.

Submission:

Labcorp Genetics (formerly Invitae), Labcorp
Classification: Uncertain significance. Last evaluated: 2022-04-28. Review status: criteria provided, single submitter. Criteria: Invitae Variant Classification Sherloc (09022015). Collection method: clinical testing. Allele origin: germline.
Comment: In summary, the available evidence is currently insufficient to determine the role of this variant in disease. Therefore, it has been classified as a Variant of Uncertain Significance. Algorithms developed to predict the effect of missense changes on protein structure and function are either unavailable or do not agree on the potential impact of this missense change (SIFT: "Deleterious"; PolyPhen-2: "Possibly Damaging"; Align-GVGD: "Class C0"). This variant has not been reported in the literature in individuals affected with AHDC1-related conditions. This variant is not present in population databases (gnomAD no frequency). This sequence change replaces alanine, which is neutral and non-polar, with threonine, which is neutral and polar, at codon 1279 of the AHDC1 protein (p.Ala1279Thr).

NM_001371928.1(AHDC1):c.3835G>A (p.Ala1279Thr)

Gene: AHDC1 (AT-hook DNA binding motif containing 1; minus strand). Cytogenetic location: 1p36.11.
Variant type: single nucleotide variant.
Coding change: c.3835G>A on transcript NM_001371928.1 (MANE Select); coding-DNA position 3835, G replaced by A.
Protein change: p.Ala1279Thr; replaces alanine 1279 with threonine.
Molecular consequence: missense variant.
Genome position (GRCh38, 1-based): chr1:27,548,281, C>T on the plus strand (G>A on the coding strand, the complement: AHDC1 is on the minus strand). VCF-style: chr1-27548281-C-T. GRCh37 (hg19) VCF-style: chr1-27874792-C-T.
Other names: c.3835G>A, p.Ala1279Thr (NM_001029882.3); short protein forms A1279T.
Identifiers: ClinVar variation 1436194 (VCV001436194.8), dbSNP rs2019300254, ClinGen allele CA339225027.